The following is an entry in ClinVar:

ClinVar aggregate classification (germline): Uncertain significance (1 of 4 stars; one submission).

Conditions:
Glycogen storage disease type III (GSD3). Also called: Cori disease; FORBES DISEASE. Identifiers: Orphanet 366, MedGen C0017922, MONDO:0009291, OMIM 232400.

Allele frequency attached by ClinVar (database versions not stated): gnomAD 0.00002; TOPMed 0.00002; gnomAD exomes below 0.00001.
gnomAD v4.1: 8 of 1,613,648 alleles (0.0005%); highest among the groups gnomAD compares: Non-Finnish European, 0.00068%; no homozygotes.

Submission:

Labcorp Genetics (formerly Invitae), Labcorp
Classification: Uncertain significance for Glycogen storage disease type III. Last evaluated: 2024-12-30. Review status: criteria provided, single submitter. Criteria: Invitae Variant Classification Sherloc (09022015). Collection method: clinical testing. Allele origin: germline.
Comment: This sequence change replaces serine, which is neutral and polar, with tyrosine, which is neutral and polar, at codon 1093 of the AGL protein (p.Ser1093Tyr). This variant is not present in population databases (gnomAD no frequency). This variant has not been reported in the literature in individuals affected with AGL-related conditions. ClinVar contains an entry for this variant (Variation ID: 572990). Invitae Evidence Modeling of protein sequence and biophysical properties (such as structural, functional, and spatial information, amino acid conservation, physicochemical variation, residue mobility, and thermodynamic stability) indicates that this missense variant is not expected to disrupt AGL protein function with a negative predictive value of 80%. In summary, the available evidence is currently insufficient to determine the role of this variant in disease. Therefore, it has been classified as a Variant of Uncertain Significance.

NM_000642.3(AGL):c.3278C>A (p.Ser1093Tyr)

Gene: AGL (amylo-alpha-1,6-glucosidase and 4-alpha-glucanotransferase; plus strand). Cytogenetic location: 1p21.2.
Variant type: single nucleotide variant.
Coding change: c.3278C>A on transcript NM_000642.3 (MANE Select); coding-DNA position 3278, C replaced by A.
Protein change: p.Ser1093Tyr; replaces serine 1093 with tyrosine.
Molecular consequence: missense variant.
Genome position (GRCh38, 1-based): chr1:99,896,304, C>A. VCF-style: chr1-99896304-C-A. GRCh37 (hg19) VCF-style: chr1-100361860-C-A.
Other names: c.3278C>A, p.Ser1093Tyr (NM_000028.3, NM_000643.3, NM_000644.3 and 1 more transcripts); c.3230C>A, p.Ser1077Tyr (NM_000646.3); c.3257C>A, p.Ser1086Tyr (NM_001425326.1); c.3077C>A, p.Ser1026Tyr (NM_001425327.1); c.3074C>A, p.Ser1025Tyr (NM_001425328.1); c.2939C>A, p.Ser980Tyr (NM_001425329.1); c.2900C>A, p.Ser967Tyr (NM_001425332.1); short protein forms S1093Y, S1077Y, S1025Y, S1026Y, S1086Y, S967Y, S980Y.
Identifiers: ClinVar variation 572990 (VCV000572990.5), dbSNP rs1316336745, ClinGen allele CA341328410.